The following is an entry in ClinVar:

NM_005733.3(KIF20A):c.742G>A (p.Glu248Lys)

Gene: KIF20A (kinesin family member 20A; plus strand). Cytogenetic location: 5q31.2.
Variant type: single nucleotide variant.
Coding change: c.742G>A on transcript NM_005733.3 (MANE Select); coding-DNA position 742, G replaced by A.
Protein change: p.Glu248Lys; replaces glutamic acid 248 with lysine.
Molecular consequence: missense variant.
Genome position (GRCh38, 1-based): chr5:138,182,900, G>A. VCF-style: chr5-138182900-G-A. GRCh37 (hg19) VCF-style: chr5-137518589-G-A.
Other names: c.742G>A (NM_005733.2); short protein forms E248K.
Identifiers: ClinVar variation 2081945 (VCV002081945.7), dbSNP rs200525885, ClinGen allele CA3426390.

ClinVar aggregate classification (germline): Uncertain significance. Review status: criteria provided, multiple submitters, no conflicts (2 of 4 stars). 2 submissions from 2 submitters: Uncertain significance (2). Last evaluated 2025-12-15.

Allele frequency attached by ClinVar (database versions not stated): ExAC 0.00001; gnomAD exomes 0.00001; gnomAD 0.00009; 1000 Genomes Project 0.00020; TOPMed 0.00022; 1000 Genomes Project 30x 0.00031.
gnomAD v4.1: 25 of 1,614,152 alleles (0.0015%); highest among the groups gnomAD compares: Admixed American, 0.027%; no homozygotes.

Submissions (2):

Ambry Genetics
Classification: Uncertain significance. Last evaluated: 2025-12-15. Review status: criteria provided, single submitter. Criteria: Ambry Variant Classification Scheme 2023. Collection method: clinical testing. Allele origin: germline.

Labcorp Genetics (formerly Invitae), Labcorp
Classification: Uncertain significance. Last evaluated: 2025-10-13. Review status: criteria provided, single submitter. Criteria: Invitae Variant Classification Sherloc (09022015). Collection method: clinical testing. Allele origin: germline.
Comment: This sequence change replaces glutamic acid, which is acidic and polar, with lysine, which is basic and polar, at codon 248 of the KIF20A protein (p.Glu248Lys). This variant is present in population databases (rs200525885, gnomAD 0.003%). This variant has not been reported in the literature in individuals affected with KIF20A-related conditions. ClinVar contains an entry for this variant (Variation ID: 2081945). An algorithm developed to predict the effect of missense changes on protein structure and function (PolyPhen-2) suggests that this variant is likely to be tolerated. In summary, the available evidence is currently insufficient to determine the role of this variant in disease. Therefore, it has been classified as a Variant of Uncertain Significance.